The following is an entry in ClinVar:

ClinVar aggregate classification (germline): Uncertain significance (1 of 4 stars; one submission).

Conditions:
Early-infantile DEE. Also called: Early infantile epileptic encephalopathy; Ohtahara syndrome; Early infantile epileptic encephalopathy with suppression bursts. Identifiers: Orphanet 1934, MedGen C0393706, MONDO:0800491.

Submission:

Labcorp Genetics (formerly Invitae), Labcorp
Classification: Uncertain significance for Early-infantile DEE. Last evaluated: 2025-05-06. Review status: criteria provided, single submitter. Criteria: Invitae Variant Classification Sherloc (09022015). Collection method: clinical testing. Allele origin: germline.
Comment: This sequence change replaces serine, which is neutral and polar, with threonine, which is neutral and polar, at codon 632 of the SCN8A protein (p.Ser632Thr). This variant is not present in population databases (gnomAD no frequency). This variant has not been reported in the literature in individuals affected with SCN8A-related conditions. Invitae Evidence Modeling of protein sequence and biophysical properties (such as structural, functional, and spatial information, amino acid conservation, physicochemical variation, residue mobility, and thermodynamic stability) indicates that this missense variant is not expected to disrupt SCN8A protein function with a negative predictive value of 95%. In summary, the available evidence is currently insufficient to determine the role of this variant in disease. Therefore, it has been classified as a Variant of Uncertain Significance.

NM_001330260.2(SCN8A):c.1895G>C (p.Ser632Thr)

Gene: SCN8A (sodium voltage-gated channel alpha subunit 8; plus strand). Cytogenetic location: 12q13.13.
Variant type: single nucleotide variant.
Coding change: c.1895G>C on transcript NM_001330260.2 (MANE Select); coding-DNA position 1895, G replaced by C.
Protein change: p.Ser632Thr; replaces serine 632 with threonine.
Molecular consequence: missense variant.
Genome position (GRCh38, 1-based): chr12:51,721,805, G>C. VCF-style: chr12-51721805-G-C. GRCh37 (hg19) VCF-style: chr12-52115589-G-C.
Other names: c.1895G>C, p.Ser632Thr (NM_001177984.3, NM_001369788.1, NM_014191.4); short protein forms S632T.
Identifiers: ClinVar variation 4806483 (VCV004806483.1).